The following is an entry in ClinVar:

NM_000169.3(GLA):c.485G>T (p.Trp162Leu)

Genes: GLA (galactosidase alpha; minus strand), RPL36A-HNRNPH2 (RPL36A-HNRNPH2 readthrough; plus strand). Cytogenetic location: Xq22.1.
Variant type: single nucleotide variant.
Coding change: c.485G>T on transcript NM_000169.3 (MANE Select); coding-DNA position 485, G replaced by T.
Protein change: p.Trp162Leu; replaces tryptophan 162 with leucine.
Molecular consequence: missense variant. On other transcripts: non-coding transcript variant (3), intron variant (2).
Genome position (GRCh38, 1-based): chrX:101,401,694, C>A on the plus strand (G>T on the coding strand, the complement: GLA is on the minus strand). VCF-style: chrX-101401694-C-A. GRCh37 (hg19) VCF-style: chrX-100656682-C-A.
Other names: c.608G>T, p.Trp203Leu (NM_001406747.1, NM_001406749.1); c.485G>T, p.Trp162Leu (NM_001406748.1); c.300+6237C>A (NM_001199973.2); c.177+9872C>A (NM_001199974.2); short protein forms W162L, W203L.
Identifiers: ClinVar variation 177836 (VCV000177836.6), dbSNP rs727504350, ClinGen allele CA021760.
Genomic context (GRCh38, chrX:101,401,694, plus strand): 5'-TCTGCCAAATTTTCCAAACTGTCACAGTAACAACCATCAAATTTTAGCAGATCTACTCCC[C>A]AGTCAGCAAAGGTCTGGGCATCAATGTCGTAGTATCCAAAACTCCCAGGGAAGCCTGCGC-3'
Protein context (NP_000160.1, residues 152-172): YDIDAQTFAD[Trp162Leu]GVDLLKFDGC

ClinVar aggregate classification (germline): Conflicting classifications of pathogenicity. Review status: criteria provided, conflicting classifications (1 of 4 stars). 2 submissions from 2 submitters: Likely pathogenic (1); Uncertain significance (1). Last evaluated 2026-09-08.

Conditions:
Fabry disease. Also called: ALPHA-GALACTOSIDASE A DEFICIENCY; ANDERSON-FABRY DISEASE; CERAMIDE TRIHEXOSIDASE DEFICIENCY; GLA DEFICIENCY; HEREDITARY DYSTOPIC LIPIDOSIS; Ceramide trihexosidosis. Identifiers: Orphanet 324, MedGen C0002986, MONDO:0010526, OMIM 301500, HP:0001071. Disease mechanism: Fabry disease is due to inactivating mutations in the X-linked GLA gene resulting in deficiency of the enzyme Alpha Galactosidase-A., loss of function.

Allele frequency attached by ClinVar (database versions not stated): gnomAD exomes below 0.00001.
gnomAD v4.1: 2 of 1,210,546 alleles (0.00017%); highest among the groups gnomAD compares: Non-Finnish European, 0.00022%; no homozygotes.

Submissions (2):

Genomenon, Inc
Classification: Likely pathogenic for Fabry disease. Last evaluated: 2026-09-08. Review status: criteria provided, single submitter. Criteria: Genomenon Sequence Variant Interpretation Standards - Updated. Collection method: curation. Allele origin: germline. Affected: no.
Comment: GLA p.Trp162Leu (c.485G>T) is a missense variant that changes the amino acid at codon 162 from Tryptophan to Leucine. This variant has been reported in the published literature (PMID:27532257). At least one functional study has demonstrated a substantial alteration in protein function relative to the wild-type (PMID:27657681). This variant is located in a mutational hotspot and/or important functional domain. It is absent or not present at a significant frequency in gnomAD. In silico models predict that this variant is possibly or probably damaging. In conclusion, we classify GLA p.Trp162Leu (c.485G>T) as a likely pathogenic variant.

Laboratory for Molecular Medicine, Mass General Brigham Personalized Medicine
Classification: Uncertain significance. Last evaluated: 2018-02-15. Review status: criteria provided, single submitter. Criteria: LMM Criteria. Collection method: clinical testing. Allele origin: germline. Observed: 1 variant allele.
Comment: proposed classification - variant undergoing re-assessment, contact laboratory

Literature cited by the submitters: PubMed 27532257 (cited by Genomenon, Inc); PubMed 27657681 (cited by Genomenon, Inc).